The following is an entry in ClinVar:

NM_024301.5(FKRP):c.118C>A (p.Arg40Ser)

Gene: FKRP (fukutin related protein; plus strand). Cytogenetic location: 19q13.32.
Variant type: single nucleotide variant.
Coding change: c.118C>A on transcript NM_024301.5 (MANE Select); coding-DNA position 118, C replaced by A.
Protein change: p.Arg40Ser; replaces arginine 40 with serine.
Molecular consequence: missense variant.
Genome position (GRCh38, 1-based): chr19:46,755,568, C>A. VCF-style: chr19-46755568-C-A. GRCh37 (hg19) VCF-style: chr19-47258825-C-A.
Other names: c.118C>A, p.Arg40Ser (NM_001039885.3); c.118C>A (NM_024301.4); short protein forms R40S.
Identifiers: ClinVar variation 2190601 (VCV002190601.2), dbSNP rs1015213074, ClinGen allele CA309099198.
Genomic context (GRCh38, chr19:46,755,568, plus strand): 5'-GTCCTCTTCTATGTCTCGTGGCTGCAGCACCAGCCTAGGAATTCCCGGGCCCGGGGGCCC[C>A]GTCGTGCCTCTGCTGCCGGCCCCCGTGTCACCGTCCTGGTGCGGGAGTTCGAGGCATTTG-3'
Protein context (NP_077277.1, residues 30-50): QPRNSRARGP[Arg40Ser]RASAAGPRVT

ClinVar aggregate classification (germline): Uncertain significance. Review status: criteria provided, multiple submitters, no conflicts (2 of 4 stars). 2 submissions from 2 submitters: Uncertain significance (2). Last evaluated 2024-03-15.

Conditions:
Walker-Warburg congenital muscular dystrophy. Also called: Muscular dystrophy-dystroglycanopathy, type A; Walker-Warburg syndrome. Identifiers: Orphanet 899, MedGen C0265221, MONDO:0000171.
Cardiovascular phenotype. Identifiers: MedGen CN230736.

Allele frequency attached by ClinVar (database versions not stated): gnomAD 0.00001; TOPMed 0.00002.
gnomAD v4.1: 1 of 1,606,328 alleles (0.000062%); highest among the groups gnomAD compares: African/African-American, 0.0013%; no homozygotes.

Submissions (2):

Ambry Genetics
Classification: Uncertain significance for Cardiovascular phenotype. Last evaluated: 2024-03-15. Review status: criteria provided, single submitter. Criteria: Ambry Variant Classification Scheme 2023. Collection method: clinical testing. Allele origin: germline.
Comment: The p.R40S variant (also known as c.118C>A), located in coding exon 1 of the FKRP gene, results from a C to A substitution at nucleotide position 118. The arginine at codon 40 is replaced by serine, an amino acid with dissimilar properties. This amino acid position is conserved. In addition, the in silico prediction for this alteration is inconclusive. Based on the available evidence, the clinical significance of this alteration remains unclear.

Labcorp Genetics (formerly Invitae), Labcorp
Classification: Uncertain significance for Walker-Warburg congenital muscular dystrophy. Last evaluated: 2022-04-24. Review status: criteria provided, single submitter. Criteria: Invitae Variant Classification Sherloc (09022015). Collection method: clinical testing. Allele origin: germline.
Comment: This sequence change replaces arginine, which is basic and polar, with serine, which is neutral and polar, at codon 40 of the FKRP protein (p.Arg40Ser). This variant is not present in population databases (gnomAD no frequency). This variant has not been reported in the literature in individuals affected with FKRP-related conditions. Algorithms developed to predict the effect of missense changes on protein structure and function (SIFT, PolyPhen-2, Align-GVGD) all suggest that this variant is likely to be tolerated. In summary, the available evidence is currently insufficient to determine the role of this variant in disease. Therefore, it has been classified as a Variant of Uncertain Significance.